The following is an entry in ClinVar:

NM_001127511.3(APC):c.-32C>T

Gene: APC (APC regulator of Wnt signaling pathway; plus strand). Cytogenetic location: 5q22.2.
Variant type: single nucleotide variant.
Coding change: c.-32C>T on transcript NM_001127511.3; 32 bases upstream of the start codon, C replaced by T.
Molecular consequence: 5 prime UTR variant. On other transcripts: genic upstream transcript variant (1).
Genome position (GRCh38, 1-based): chr5:112,707,686, C>T. VCF-style: chr5-112707686-C-T. GRCh37 (hg19) VCF-style: chr5-112043383-C-T.
Other names: p.=; c.-215C>T (NM_001354895.2, NM_001407447.1, NM_001407452.1 and 3 more transcripts); c.-32C>T (NM_001354897.2, NM_001354902.2, NM_001407446.1); c.-1250C>T (NM_001407470.1, NM_001407472.1); c.-30258C>T (NM_000038.6).
Identifiers: ClinVar variation 537673 (VCV000537673.13), dbSNP rs1015952631, ClinGen allele CA124925068.

ClinVar aggregate classification (germline): Uncertain significance. Review status: criteria provided, multiple submitters, no conflicts (2 of 4 stars). 3 submissions from 3 submitters: Uncertain significance (3). Last evaluated 2026-01-27.

Conditions:
Gastric adenocarcinoma and proximal polyposis of the stomach (GAPPS). Also called: Polyposis, gastric, Dos Santos and de Magalhaes 1980; POLYPOSIS, GASTRIC; Gastric Adenocarcinoma and Proximal Polyposis of the Stomach (GAPPS). Identifiers: Orphanet 314022, MedGen C4749917, MONDO:0017790, OMIM 619182.
Gastric cancer. Also called: Stomach cancer; Malignant tumor of stomach. Identifiers: MedGen C0024623, MeSH D013274, MONDO:0001056, OMIM 613659, HP:0012126.
Desmoid disease, hereditary (DESMD). Also called: FIBROMATOSIS, FAMILIAL INFILTRATIVE. Identifiers: Orphanet 873, MedGen C1851124, OMIM 135290. Disease mechanism: loss of function.
Familial adenomatous polyposis 1 (FAP1). Also called: FAMILIAL ADENOMATOUS POLYPOSIS 1, ATTENUATED; POLYPOSIS, ADENOMATOUS INTESTINAL. Identifiers: MedGen C2713442, MONDO:0021056, OMIM 175100. Disease mechanism: loss of function.
Colorectal cancer. Also called: Malignant Colorectal Neoplasm; Colorectal cancer, somatic. Identifiers: MedGen C0346629, MONDO:0005575, OMIM 114500.
Hepatocellular carcinoma (HCC). Also called: Primary carcinoma of liver; HEPATOMA; LIVER CELL CARCINOMA. Identifiers: Orphanet 88673, MedGen C2239176, MONDO:0007256, OMIM 114550, HP:0001402.

Allele frequency attached by ClinVar (database versions not stated): gnomAD 0.00003; gnomAD exomes 0.00003 and 0.00005; TOPMed 0.00003.
gnomAD v4.1: 58 of 1,370,494 alleles (0.0042%); highest among the groups gnomAD compares: Non-Finnish European, 0.0053%; no homozygotes.

Submissions (3):

Labcorp Genetics (formerly Invitae), Labcorp
Classification: Uncertain significance for Familial adenomatous polyposis 1. Last evaluated: 2026-01-27. Review status: criteria provided, single submitter. Criteria: Invitae Variant Classification Sherloc (09022015). Collection method: clinical testing. Allele origin: germline.
Comment: This variant occurs in a non-coding region of the APC gene. It does not change the encoded amino acid sequence of the APC protein. This variant is present in population databases (no rsID available, gnomAD 0.007%). This variant has not been reported in the literature in individuals affected with APC-related conditions. ClinVar contains an entry for this variant (Variation ID: 537673). Experimental studies and prediction algorithms are not available or were not evaluated, and the functional significance of this variant is currently unknown. In summary, the available evidence is currently insufficient to determine the role of this variant in disease. Therefore, it has been classified as a Variant of Uncertain Significance.

Mayo Clinic Laboratories, Mayo Clinic
Classification: Uncertain significance. Last evaluated: 2025-02-28. Review status: criteria provided, single submitter. Criteria: ACMG Guidelines, 2015. Collection method: clinical testing. Allele origin: germline. Observed: 1 variant allele.
Comment: BS1

Fulgent Genetics
Classification: Uncertain significance for Colorectal cancer; Hepatocellular carcinoma; Desmoid disease, hereditary; Familial adenomatous polyposis 1; Gastric cancer; Gastric adenocarcinoma and proximal polyposis of the stomach. Last evaluated: 2022-01-04. Review status: criteria provided, single submitter. Criteria: ACMG Guidelines, 2015. Collection method: clinical testing. Allele origin: unknown.